The following is an entry in ClinVar:

ClinVar aggregate classification (germline): Uncertain significance (1 of 4 stars; one submission).

Submission:

Women's Health and Genetics/Laboratory Corporation of America, LabCorp
Classification: Uncertain significance. Last evaluated: 2025-07-16. Review status: criteria provided, single submitter. Criteria: LabCorp Variant Classification Summary - May 2015. Collection method: clinical testing. Allele origin: germline.
Comment: Variant summary: TAT c.890G>T (p.Arg297Leu) results in a non-conservative amino acid change in the encoded protein sequence. Algorithms developed to predict the effect of missense changes on protein structure and function all suggest that this variant is likely to be disruptive. The variant was absent in 251296 control chromosomes. The available data on variant occurrences in the general population are insufficient to allow any conclusion about variant significance. c.890G>T has been observed in at least one individual affected with Tyrosinemia Type 2 (Tong_2019, Huang_2022). These data do not allow any conclusion about variant significance. To our knowledge, no experimental evidence demonstrating an impact on protein function has been reported. The following publications have been ascertained in the context of this evaluation (PMID: 31901053, 35193651). No submitters have cited clinical-significance assessments for this variant to ClinVar. Based on the evidence outlined above, the variant was classified as uncertain significance.

Literature cited by the submitters: PubMed 35193651; PubMed 31901053.

NM_000353.3(TAT):c.890G>T (p.Arg297Leu)

Genes: TAT (tyrosine aminotransferase; minus strand), TAT-AS1 (TAT antisense RNA 1; plus strand). Cytogenetic location: 16q22.2.
Variant type: single nucleotide variant.
Coding change: c.890G>T on transcript NM_000353.3 (MANE Select); coding-DNA position 890, G replaced by T.
Protein change: p.Arg297Leu; replaces arginine 297 with leucine.
Molecular consequence: missense variant.
Genome position (GRCh38, 1-based): chr16:71,570,701, C>A on the plus strand (G>T on the coding strand, the complement: TAT is on the minus strand). VCF-style: chr16-71570701-C-A. GRCh37 (hg19) VCF-style: chr16-71604604-C-A.
Other names: short protein forms R297L.
Identifiers: ClinVar variation 4525828 (VCV004525828.1).
Genomic context (GRCh38, chr16:71,570,701, plus strand): 5'-TACCCTAAATTACACATACTCTTTCACCATATTATCACCTCATTGCCAAAAATGTCTCTT[C>A]GGTCATGAATGAGGATCCAGCCCAACCTCCAGCCAGGAACCAGCCAGCGCTTGGCCAGCC-3'
Protein context (NP_000344.1, residues 287-307): WRLGWILIHD[Arg297Leu]RDIFGNEIRD